The following is an entry in ClinVar:

ClinVar aggregate classification (germline): Uncertain significance (1 of 4 stars; one submission).

Allele frequency attached by ClinVar (database versions not stated): ExAC 0.00002.
gnomAD v4.1: 60 of 1,614,056 alleles (0.0037%); highest among the groups gnomAD compares: African/African-American, 0.021%; no homozygotes.

Submission:

Labcorp Genetics (formerly Invitae), Labcorp
Classification: Uncertain significance. Last evaluated: 2024-10-15. Review status: criteria provided, single submitter. Criteria: Invitae Variant Classification Sherloc (09022015). Collection method: clinical testing. Allele origin: germline.
Comment: This sequence change replaces threonine, which is neutral and polar, with methionine, which is neutral and non-polar, at codon 415 of the HPS4 protein (p.Thr415Met). This variant is present in population databases (rs773931864, gnomAD 0.03%). This variant has not been reported in the literature in individuals affected with HPS4-related conditions. ClinVar contains an entry for this variant (Variation ID: 1391744). An algorithm developed to predict the effect of missense changes on protein structure and function outputs the following: PolyPhen-2: "Benign". The methionine amino acid residue is found in multiple mammalian species, which suggests that this missense change does not adversely affect protein function. In summary, the available evidence is currently insufficient to determine the role of this variant in disease. Therefore, it has been classified as a Variant of Uncertain Significance.

NM_022081.6(HPS4):c.1244C>T (p.Thr415Met)

Gene: HPS4 (HPS4 biogenesis of lysosomal organelles complex 3 subunit 2; minus strand). Cytogenetic location: 22q12.1.
Variant type: single nucleotide variant.
Coding change: c.1244C>T on transcript NM_022081.6 (MANE Select); coding-DNA position 1244, C replaced by T.
Protein change: p.Thr415Met; replaces threonine 415 with methionine.
Molecular consequence: missense variant. On other transcripts: non-coding transcript variant (8).
Genome position (GRCh38, 1-based): chr22:26,464,386, G>A on the plus strand (C>T on the coding strand, the complement: HPS4 is on the minus strand). VCF-style: chr22-26464386-G-A. GRCh37 (hg19) VCF-style: chr22-26860352-G-A.
Other names: c.1244C>T, p.Thr415Met (NM_001349896.1, NM_001349898.2, NM_001349899.2 and 4 more transcripts); c.1298C>T, p.Thr433Met (NM_001349900.2, NM_001349901.1); c.1229C>T, p.Thr410Met (NM_152841.2); short protein forms T415M, T433M, T410M.
Identifiers: ClinVar variation 1391744 (VCV001391744.6), dbSNP rs773931864, ClinGen allele CA10163366.